The following is an entry in ClinVar:

NM_024301.5(FKRP):c.998_1015del (p.Leu333_Val338del)

Gene: FKRP (fukutin related protein; plus strand). Cytogenetic location: 19q13.32.
Variant type: Deletion.
Coding change: c.998_1015del on transcript NM_024301.5 (MANE Select); coding-DNA positions 998 to 1015, 18 bases deleted (TGGAGGCTGCGGGCGTGC).
Protein change: p.Leu333_Val338del.
Molecular consequence: inframe deletion.
Genome position (GRCh38, 1-based): chr19:46,756,448-46,756,465, TGGAGGCTGCGGGCGTGC deleted; deleting any 18 consecutive bases within chr19:46,756,440-46,756,465 gives the same sequence; the c. name uses the placement nearest the transcript's 3' end. VCF-style (leftmost placement, unchanged base first): chr19-46756439-TGGGCGTGCTGGAGGCTGC-T. GRCh37 (hg19) VCF-style: chr19-47259696-TGGGCGTGCTGGAGGCTGC-T.
Other names: c.998_1015del, p.Leu333_Val338del (NM_001039885.3).
Identifiers: ClinVar variation 1358348 (VCV001358348.8), dbSNP rs2122628972, ClinGen allele CA2573156479.
Genomic context (GRCh38, chr19:46,756,439, plus strand): 5'-AGGAGCGCTGGACGCCCCCCTGCTGCCTGCGCGCGCTGCGCGAGACCGCCCGCTATGTGG[TGGGCGTGCTGGAGGCTGC>T]GGGCGTGCGCTACTGGCTCGAGGGCGGCTCACTGCTGGGGGCCGCCCGCCACGGGGACAT-3'

ClinVar aggregate classification (germline): Pathogenic (1 of 4 stars; one submission).

Conditions:
Walker-Warburg congenital muscular dystrophy. Also called: Muscular dystrophy-dystroglycanopathy, type A; Walker-Warburg syndrome. Identifiers: Orphanet 899, MedGen C0265221, MONDO:0000171.

Submission:

Labcorp Genetics (formerly Invitae), Labcorp
Classification: Pathogenic for Walker-Warburg congenital muscular dystrophy. Last evaluated: 2023-07-14. Review status: criteria provided, single submitter. Criteria: Invitae Variant Classification Sherloc (09022015). Collection method: clinical testing. Allele origin: germline.
Comment: For these reasons, this variant has been classified as Pathogenic. This variant disrupts a region of the FKRP protein in which other variant(s) (p.Val338Leu) have been determined to be pathogenic (PMID: 20623375, 27671536, 33051673). This suggests that this is a clinically significant region of the protein, and that variants that disrupt it are likely to be disease-causing. ClinVar contains an entry for this variant (Variation ID: 1358348). This variant has not been reported in the literature in individuals affected with FKRP-related conditions. This variant is not present in population databases (gnomAD no frequency). This variant, c.998_1015del, results in the deletion of 6 amino acid(s) of the FKRP protein (p.Leu333_Val338del), but otherwise preserves the integrity of the reading frame.

Literature cited by the submitters: PubMed 20623375; PubMed 27671536; PubMed 33051673.